The following is an entry in ClinVar:

ClinVar aggregate classification (germline): Uncertain significance (1 of 4 stars; one submission).

gnomAD v4.1: 36 of 1,562,606 alleles (0.0023%); highest among the groups gnomAD compares: Non-Finnish European, 0.0029%; no homozygotes.

Submission:

Labcorp Genetics (formerly Invitae), Labcorp
Classification: Uncertain significance. Last evaluated: 2025-10-22. Review status: criteria provided, single submitter. Criteria: Invitae Variant Classification Sherloc (09022015). Collection method: clinical testing. Allele origin: germline.
Comment: This sequence change replaces glutamic acid, which is acidic and polar, with aspartic acid, which is acidic and polar, at codon 223 of the LEMD3 protein (p.Glu223Asp). This variant is not present in population databases (gnomAD no frequency). This variant has not been reported in the literature in individuals affected with LEMD3-related conditions. Invitae Evidence Modeling of protein sequence and biophysical properties (such as structural, functional, and spatial information, amino acid conservation, physicochemical variation, residue mobility, and thermodynamic stability) indicates that this missense variant is not expected to disrupt LEMD3 protein function with a negative predictive value of 80%. In summary, the available evidence is currently insufficient to determine the role of this variant in disease. Therefore, it has been classified as a Variant of Uncertain Significance.

NM_014319.5(LEMD3):c.669G>C (p.Glu223Asp)

Gene: LEMD3 (LEM domain containing 3; plus strand). Cytogenetic location: 12q14.3.
Variant type: single nucleotide variant.
Coding change: c.669G>C on transcript NM_014319.5 (MANE Select); coding-DNA position 669, G replaced by C.
Protein change: p.Glu223Asp; replaces glutamic acid 223 with aspartic acid.
Molecular consequence: missense variant.
Genome position (GRCh38, 1-based): chr12:65,170,265, G>C. VCF-style: chr12-65170265-G-C. GRCh37 (hg19) VCF-style: chr12-65564045-G-C.
Other names: c.669G>C, p.Glu223Asp (NM_001167614.2); short protein forms E223D.
Identifiers: ClinVar variation 4707637 (VCV004707637.1).